The following is an entry in ClinVar:

NM_002474.3(MYH11):c.1634C>T (p.Thr545Met)

Gene: MYH11 (myosin heavy chain 11; minus strand). Cytogenetic location: 16p13.11.
Variant type: single nucleotide variant.
Coding change: c.1634C>T on transcript NM_002474.3 (MANE Select); coding-DNA position 1634, C replaced by T.
Protein change: p.Thr545Met; replaces threonine 545 with methionine.
Molecular consequence: missense variant.
Genome position (GRCh38, 1-based): chr16:15,756,456, G>A on the plus strand (C>T on the coding strand, the complement: MYH11 is on the minus strand). VCF-style: chr16-15756456-G-A. GRCh37 (hg19) VCF-style: chr16-15850313-G-A.
Other names: c.1655C>T, p.Thr552Met (NM_001040113.2, NM_001040114.2); c.1634C>T, p.Thr545Met (NM_022844.3); short protein forms T545M, T552M.
Identifiers: ClinVar variation 3369584 (VCV003369584.1).
Genomic context (GRCh38, chr16:15,756,456, plus strand): 5'-TTCTGGAACTTGGGGTGGCTGCCCTGCTCCGTGCACAGCTTCTCCACGAAAGACTTGTCC[G>A]TGGCTTTGGGGAACCAGCATTCCTCGTCCAGCAGGGCCAGCACACCTGGAGGGTTGTTCT-3'
Protein context (NP_002465.1, residues 535-555): LDEECWFPKA[Thr545Met]DKSFVEKLCT

ClinVar aggregate classification (germline): Uncertain significance (1 of 4 stars; one submission).

gnomAD v4.1: 2 of 1,614,148 alleles (0.00012%); highest among the groups gnomAD compares: Non-Finnish European, 0.00017%; no homozygotes.

Submission:

GeneDx
Classification: Uncertain significance. Last evaluated: 2024-02-22. Review status: criteria provided, single submitter. Criteria: GeneDx Variant Classification Process June 2021. Collection method: clinical testing. Allele origin: germline. Affected: yes.
Comment: Not observed at significant frequency in large population cohorts (gnomAD); In silico analysis supports that this missense variant has a deleterious effect on protein structure/function; Has not been previously published as pathogenic or benign to our knowledge